The following is an entry in ClinVar:

NM_019066.5(MAGEL2):c.2712C>T (p.Ala904=)

Gene: MAGEL2 (MAGE family member L2; minus strand). Cytogenetic location: 15q11.2.
Variant type: single nucleotide variant.
Coding change: c.2712C>T on transcript NM_019066.5 (MANE Select); coding-DNA position 2712, C replaced by T.
Protein change: p.Ala904=; no amino-acid change (alanine 904 retained).
Molecular consequence: synonymous variant.
Genome position (GRCh38, 1-based): chr15:23,645,031, G>A on the plus strand (C>T on the coding strand, the complement: MAGEL2 is on the minus strand). VCF-style: chr15-23645031-G-A. GRCh37 (hg19) VCF-style: chr15-23890178-G-A.
Identifiers: ClinVar variation 4697158 (VCV004697158.1).

ClinVar aggregate classification (germline): Uncertain significance (1 of 4 stars; one submission).

gnomAD v4.1: 2 of 1,613,868 alleles (0.00012%); highest among the groups gnomAD compares: Admixed American, 0.0017%; no homozygotes.

Submission:

Labcorp Genetics (formerly Invitae), Labcorp
Classification: Uncertain significance. Last evaluated: 2025-11-22. Review status: criteria provided, single submitter. Criteria: Invitae Variant Classification Sherloc (09022015). Collection method: clinical testing. Allele origin: germline.
Comment: This sequence change affects codon 904 of the MAGEL2 mRNA. It is a 'silent' change, meaning that it does not change the encoded amino acid sequence of the MAGEL2 protein. This variant is not present in population databases (gnomAD no frequency). This variant has not been reported in the literature in individuals affected with MAGEL2-related conditions. In summary, the available evidence is currently insufficient to determine the role of this variant in disease. Therefore, it has been classified as a Variant of Uncertain Significance.